The following is an entry in ClinVar:

ClinVar aggregate classification (germline): Likely benign. Review status: criteria provided, multiple submitters, no conflicts (2 of 4 stars). 3 submissions from 3 submitters: Likely benign (3). Last evaluated 2026-06-02.

Conditions:
Breast-ovarian cancer, familial, susceptibility to, 2 (BROVCA2). Also called: BRCA2 Hereditary Breast and Ovarian Cancer. Identifiers: Orphanet 145, MedGen C2675520, MONDO:0012933, OMIM 612555. Disease mechanism: loss of function.
Hereditary cancer-predisposing syndrome. Also called: Hereditary neoplastic syndrome; Neoplastic Syndromes, Hereditary; Hereditary Cancer Syndrome; Tumor predisposition. Identifiers: Orphanet 140162, MedGen C0027672, MeSH D009386, MONDO:0015356.

Allele frequency attached by ClinVar (database versions not stated): gnomAD exomes below 0.00001.
gnomAD v4.1: 1 of 1,611,600 alleles (0.000062%); highest among the groups gnomAD compares: Non-Finnish European, 0.000085%; no homozygotes.

Submissions (3):

Myriad Genetics, Inc.
Classification: Likely benign for Breast-ovarian cancer, familial, susceptibility to, 2. Last evaluated: 2026-06-02. Review status: criteria provided, single submitter. Criteria: Myriad Autosomal Dominant, Autosomal Recessive and X-Linked Classification Criteria (2023). Collection method: clinical testing. Allele origin: unknown.
Comment: This variant is considered likely benign. This variant is strongly associated with less severe personal and family histories of cancer, typical for individuals without pathogenic variants in this gene [PMID: 25085752].

Ambry Genetics
Classification: Likely benign for Hereditary cancer-predisposing syndrome. Last evaluated: 2024-06-06. Review status: criteria provided, single submitter. Criteria: Ambry Variant Classification Scheme 2023. Collection method: clinical testing. Allele origin: germline.

University of Washington Department of Laboratory Medicine, University of Washington
Classification: Likely benign for Hereditary cancer-predisposing syndrome. Last evaluated: 2023-03-23. Review status: criteria provided, single submitter. Criteria: Dines et al. (Genet Med. 2020). Collection method: curation. Allele origin: germline.
Comment: Missense variant in a coldspot region where missense variants are very unlikely to be pathogenic (PMID:31911673).

BRCA2 exon 11 coldspot. Reclassification based on statistical prior probability.

Literature cited by the submitters: PubMed 25085752 (cited by Myriad Genetics, Inc.).

NM_000059.4(BRCA2):c.5252A>C (p.Tyr1751Ser)

Gene: BRCA2 (BRCA2 DNA repair associated; plus strand). Cytogenetic location: 13q13.1.
Variant type: single nucleotide variant.
Coding change: c.5252A>C on transcript NM_000059.4 (MANE Select); coding-DNA position 5252, A replaced by C.
Protein change: p.Tyr1751Ser; replaces tyrosine 1751 with serine.
Molecular consequence: missense variant.
Genome position (GRCh38, 1-based): chr13:32,339,607, A>C. VCF-style: chr13-32339607-A-C. GRCh37 (hg19) VCF-style: chr13-32913744-A-C.
Other names: short protein forms Y1751S.
Identifiers: ClinVar variation 479319 (VCV000479319.9), dbSNP rs1341974678, ClinGen allele CA387784705.